The following is an entry in ClinVar:

NM_001127208.3(TET2):c.574T>C (p.Tyr192His)

Genes: TET2 (tet methylcytosine dioxygenase 2; plus strand), TET2-AS1 (TET2 antisense RNA 1; minus strand). Cytogenetic location: 4q24.
Variant type: single nucleotide variant.
Coding change: c.574T>C on transcript NM_001127208.3 (MANE Select); coding-DNA position 574, T replaced by C.
Protein change: p.Tyr192His; replaces tyrosine 192 with histidine.
Molecular consequence: missense variant.
Genome position (GRCh38, 1-based): chr4:105,234,516, T>C. VCF-style: chr4-105234516-T-C. GRCh37 (hg19) VCF-style: chr4-106155673-T-C.
Other names: c.574T>C, p.Tyr192His (NM_017628.4); short protein forms Y192H.
Identifiers: ClinVar variation 2904214 (VCV002904214.3), dbSNP rs200585520, ClinGen allele CA3031519.

ClinVar aggregate classification (germline): Uncertain significance (1 of 4 stars; one submission).

Allele frequency attached by ClinVar (database versions not stated): gnomAD exomes 0.00003; ExAC 0.00009; TOPMed 0.00014; 1000 Genomes Project 30x 0.00016; gnomAD 0.00012; 1000 Genomes Project 0.00020; ESP Exome Variant Server 0.00008.
gnomAD v4.1: 76 of 1,614,106 alleles (0.0047%); highest among the groups gnomAD compares: Admixed American, 0.017%; no homozygotes.

Submission:

Labcorp Genetics (formerly Invitae), Labcorp
Classification: Uncertain significance. Last evaluated: 2026-01-12. Review status: criteria provided, single submitter. Criteria: Invitae Variant Classification Sherloc (09022015). Collection method: clinical testing. Allele origin: germline.
Comment: This sequence change replaces tyrosine, which is neutral and polar, with histidine, which is basic and polar, at codon 192 of the TET2 protein (p.Tyr192His). This variant is present in population databases (rs200585520, gnomAD 0.1%). This variant has not been reported in the literature in individuals affected with TET2-related conditions. ClinVar contains an entry for this variant (Variation ID: 2904214). An algorithm developed to predict the effect of missense changes on protein structure and function (PolyPhen-2) suggests that this variant is likely to be tolerated. In summary, the available evidence is currently insufficient to determine the role of this variant in disease. Therefore, it has been classified as a Variant of Uncertain Significance.